The following is an entry in ClinVar:

ClinVar aggregate classification (germline): Conflicting classifications of pathogenicity. Review status: criteria provided, conflicting classifications (1 of 4 stars). 3 submissions from 3 submitters: Likely pathogenic (1); Uncertain significance (1). 1 of the submissions does not count toward it. Last evaluated 2026-01-11.

Conditions:
DE SANCTIS-CACCHIONE SYNDROME. Identifiers: MedGen C0265201, MONDO:0010217, OMIM 278800.
Cockayne syndrome type 2 (CSB). Also called: Cockayne Syndrome, Type II; COCKAYNE SYNDROME B. Identifiers: Orphanet 191, Orphanet 90322, MedGen C0751038, MONDO:0019570, OMIM 133540.
Cerebrooculofacioskeletal syndrome 1 (COFS1). Also called: Cerebro-oculo-facio-skeletal syndrome 1. Identifiers: MedGen C0220722, MONDO:0008955, OMIM 214150.
Inborn genetic diseases. Identifiers: MedGen C0950123, MeSH D030342.

Allele frequency attached by ClinVar (database versions not stated): gnomAD exomes below 0.00001; gnomAD 0.00001; TOPMed 0.00001.
gnomAD v4.1: 4 of 1,612,206 alleles (0.00025%); highest among the groups gnomAD compares: Non-Finnish European, 0.00034%; no homozygotes.

Submissions (3):

Labcorp Genetics (formerly Invitae), Labcorp
Classification: Likely pathogenic. Last evaluated: 2026-01-11. Review status: criteria provided, single submitter. Criteria: Invitae Variant Classification Sherloc (09022015). Collection method: clinical testing. Allele origin: germline.
Comment: This sequence change affects an acceptor splice site in intron 5 of the ERCC6 gene. It is expected to disrupt RNA splicing. Variants that disrupt the donor or acceptor splice site typically lead to a loss of protein function (PMID: 16199547), and loss-of-function variants in ERCC6 are known to be pathogenic (PMID: 18628313, 29572252). This variant is present in population databases (no rsID available, gnomAD 0.0009%). This variant has not been reported in the literature in individuals affected with ERCC6-related conditions. ClinVar contains an entry for this variant (Variation ID: 554946). Algorithms developed to predict the effect of sequence changes on RNA splicing suggest that this variant may disrupt the consensus splice site. In summary, the currently available evidence indicates that the variant is pathogenic, but additional data are needed to prove that conclusively. Therefore, this variant has been classified as Likely Pathogenic.

Ambry Genetics
Classification: Uncertain significance for Inborn genetic diseases. Last evaluated: 2021-10-15. Review status: criteria provided, single submitter. Criteria: Ambry Variant Classification Scheme 2023. Collection method: clinical testing. Allele origin: germline.
Comment: Resulting transcript is predicted to be in-frame and is not expected to trigger nonsense-mediated mRNA decay Based on insufficient or conflicting evidence, the clinical significance of this alteration remains unclear.

Counsyl
Classification: Likely pathogenic for Cockayne syndrome type 2; Cerebrooculofacioskeletal syndrome 1; DE SANCTIS-CACCHIONE SYNDROME. Last evaluated: 2017-11-09. Review status: no assertion criteria provided. Collection method: clinical testing. Allele origin: unknown. Not counted in ClinVar's aggregate classification.

Literature cited by the submitters: PubMed 16199547 (cited by Labcorp Genetics (formerly Invitae), Labcorp); PubMed 18628313 (cited by Labcorp Genetics (formerly Invitae), Labcorp); PubMed 29572252 (cited by Labcorp Genetics (formerly Invitae), Labcorp).

NM_000124.4(ERCC6):c.1398-2A>G

Gene: ERCC6 (ERCC excision repair 6, chromatin remodeling factor; minus strand). Cytogenetic location: 10q11.23.
Variant type: single nucleotide variant.
Coding change: c.1398-2A>G on transcript NM_000124.4 (MANE Select); the canonical splice acceptor site of the intron before coding-DNA position 1398, A replaced by G.
Molecular consequence: splice acceptor variant.
Genome position (GRCh38, 1-based): chr10:49,506,014, T>C on the plus strand (A>G on the coding strand, the complement: ERCC6 is on the minus strand). VCF-style: chr10-49506014-T-C. GRCh37 (hg19) VCF-style: chr10-50714060-T-C.
Other names: c.1398-2A>G (NM_001346440.2).
Identifiers: ClinVar variation 554946 (VCV000554946.11), dbSNP rs1317145066, ClinGen allele CA376730331.